The following is an entry in ClinVar:

ClinVar aggregate classification (germline): Uncertain significance (1 of 4 stars; one submission).

Conditions:
Hereditary cancer-predisposing syndrome. Also called: Hereditary Cancer Syndrome; Hereditary neoplastic syndrome; Neoplastic Syndromes, Hereditary; Tumor predisposition. Identifiers: Orphanet 140162, MedGen C0027672, MeSH D009386, MONDO:0015356.

Allele frequency attached by ClinVar (database versions not stated): gnomAD exomes below 0.00001.
gnomAD v4.1: 6 of 1,613,090 alleles (0.00037%); highest among the groups gnomAD compares: Non-Finnish European, 0.00051%; no homozygotes.

Submission:

Ambry Genetics
Classification: Uncertain significance for Hereditary cancer-predisposing syndrome. Last evaluated: 2025-11-25. Review status: criteria provided, single submitter. Criteria: Ambry Variant Classification Scheme 2023. Collection method: clinical testing. Allele origin: germline.
Comment: The p.G479R variant (also known as c.1435G>A), located in coding exon 10 of the FH gene, results from a G to A substitution at nucleotide position 1435. The glycine at codon 479 is replaced by arginine, an amino acid with dissimilar properties. This amino acid position is highly conserved in available vertebrate species. In addition, this alteration is predicted to be deleterious by in silico analysis. Based on the available evidence, the clinical significance of this variant remains unclear.

NM_000143.4(FH):c.1435G>A (p.Gly479Arg)

Gene: FH (fumarate hydratase; minus strand). Cytogenetic location: 1q43.
Variant type: single nucleotide variant.
Coding change: c.1435G>A on transcript NM_000143.4 (MANE Select); coding-DNA position 1435, G replaced by A.
Protein change: p.Gly479Arg; replaces glycine 479 with arginine.
Molecular consequence: missense variant.
Genome position (GRCh38, 1-based): chr1:241,497,926, C>T on the plus strand (G>A on the coding strand, the complement: FH is on the minus strand). VCF-style: chr1-241497926-C-T. GRCh37 (hg19) VCF-style: chr1-241661226-C-T.
Other names: short protein forms G479R.
Identifiers: ClinVar variation 1772605 (VCV001772605.3), dbSNP rs1573876584, ClinGen allele CA345450715.